The following is an entry in ClinVar:

ClinVar aggregate classification (germline): Likely benign. Review status: criteria provided, single submitter (1 of 4 stars). 3 submissions from 3 submitters: Likely benign (1). 2 of the submissions do not count toward it. Last evaluated 2022-09-01.

gnomAD v4.1: 130 of 1,205,472 alleles (0.011%); highest among the groups gnomAD compares: Non-Finnish European, 0.014%; no homozygotes.

Submissions (3):

CeGaT Center for Human Genetics Tuebingen
Classification: Likely benign. Last evaluated: 2022-09-01. Review status: criteria provided, single submitter. Criteria: CeGaT Center For Human Genetics Tuebingen Variant Classification Criteria Version 2. Collection method: clinical testing. Allele origin: germline. Affected: yes. Observed: 1 variant allele.
Comment: MID2: BP4, BP7

Clinical Genetics DNA and cytogenetics Diagnostics Lab, Erasmus MC, Erasmus Medical Center
Classification: Likely benign. Review status: no assertion criteria provided. Collection method: clinical testing. Allele origin: germline. Affected: yes. Study: VKGL Data-share Consensus. Not counted in ClinVar's aggregate classification.

Genome Diagnostics Laboratory, University Medical Center Utrecht
Classification: Likely benign. Review status: no assertion criteria provided. Collection method: clinical testing. Allele origin: germline. Affected: yes. Study: VKGL Data-share Consensus. Not counted in ClinVar's aggregate classification.

NM_012216.4(MID2):c.1662G>A (p.Leu554=)

Genes: MID2 (midline 2; plus strand), LOC101928335 (uncharacterized LOC101928335; minus strand). Cytogenetic location: Xq22.3.
Variant type: single nucleotide variant.
Coding change: c.1662G>A on transcript NM_012216.4 (MANE Select); coding-DNA position 1662, G replaced by A.
Protein change: p.Leu554=; no amino-acid change (leucine 554 retained).
Molecular consequence: synonymous variant.
Genome position (GRCh38, 1-based): chrX:107,926,158, G>A. VCF-style: chrX-107926158-G-A. GRCh37 (hg19) VCF-style: chrX-107169388-G-A.
Other names: c.1602G>A, p.Leu534= (NM_001382751.1); c.1512G>A, p.Leu504= (NM_001382752.1); c.1572G>A, p.Leu524= (NM_052817.3).
Identifiers: ClinVar variation 1328025 (VCV001328025.26), dbSNP rs749983502, ClinGen allele CA10486211.